The following is an entry in ClinVar:

ClinVar aggregate classification (germline): Likely benign (1 of 4 stars; one submission).

Conditions:
ABCA4-related disorder. Also called: ABCA4-related disorders; ABCA4-related condition. Identifiers: MedGen CN239167.

gnomAD v4.1: 10 of 1,604,258 alleles (0.00062%); highest among the groups gnomAD compares: Non-Finnish European, 0.00085%; no homozygotes.

Submission:

PreventionGenetics, part of Exact Sciences
Classification: Likely benign for ABCA4-related condition. Last evaluated: 2026-03-25. Review status: criteria provided, single submitter. Criteria: ACMG Guidelines, 2015. Collection method: clinical testing. Allele origin: germline.
Comment: This variant is classified as likely benign based on ACMG/AMP sequence variant interpretation guidelines (Richards et al. 2015 PMID: 25741868, with internal and published modifications).

NM_000350.3(ABCA4):c.3863-24T>G

Gene: ABCA4 (ATP binding cassette subfamily A member 4; minus strand). Cytogenetic location: 1p22.1.
Variant type: single nucleotide variant.
Coding change: c.3863-24T>G on transcript NM_000350.3 (MANE Select); 24 bases into the intron before coding-DNA position 3863, T replaced by G.
Molecular consequence: intron variant.
Genome position (GRCh38, 1-based): chr1:94,032,067, A>C on the plus strand (T>G on the coding strand, the complement: ABCA4 is on the minus strand). VCF-style: chr1-94032067-A-C. GRCh37 (hg19) VCF-style: chr1-94497623-A-C.
Other names: c.3641-24T>G (NM_001425324.1).
Identifiers: ClinVar variation 4982286 (VCV004982286.1).